The following is an entry in ClinVar:

NM_022455.5(NSD1):c.1711T>G (p.Ser571Ala)

Gene: NSD1 (nuclear receptor binding SET domain protein 1; plus strand). Cytogenetic location: 5q35.3.
Variant type: single nucleotide variant.
Coding change: c.1711T>G on transcript NM_022455.5 (MANE Select); coding-DNA position 1711, T replaced by G.
Protein change: p.Ser571Ala; replaces serine 571 with alanine.
Molecular consequence: missense variant.
Genome position (GRCh38, 1-based): chr5:177,210,110, T>G. VCF-style: chr5-177210110-T-G. GRCh37 (hg19) VCF-style: chr5-176637111-T-G.
Other names: c.838T>G, p.Ser280Ala (NM_001409308.1, NM_001409309.1, NM_172349.5 and 3 more transcripts); c.1711T>G, p.Ser571Ala (NM_001409301.1, NM_001409302.1, NM_001409303.1); c.1291T>G, p.Ser431Ala (NM_001409304.1); c.958T>G, p.Ser320Ala (NM_001409305.1); short protein forms S280A, S320A, S431A, S571A.
Identifiers: ClinVar variation 2656103 (VCV002656103.24), dbSNP rs2480446574, ClinGen allele CA362310973.

ClinVar aggregate classification (germline): Uncertain significance (1 of 4 stars; one submission).

Submission:

CeGaT Center for Human Genetics Tuebingen
Classification: Uncertain significance. Last evaluated: 2023-08-01. Review status: criteria provided, single submitter. Criteria: CeGaT Center For Human Genetics Tuebingen Variant Classification Criteria Version 2. Collection method: clinical testing. Allele origin: germline. Affected: yes. Observed: 1 variant allele.
Comment: NSD1: PM2, PP2